The following is an entry in ClinVar:

NM_000379.4(XDH):c.651+1G>A

Gene: XDH (xanthine dehydrogenase; minus strand). Cytogenetic location: 2p23.1.
Variant type: single nucleotide variant.
Coding change: c.651+1G>A on transcript NM_000379.4 (MANE Select); the canonical splice donor site of the intron after coding-DNA position 651, G replaced by A.
Molecular consequence: splice donor variant.
Genome position (GRCh38, 1-based): chr2:31,387,810, C>T on the plus strand (G>A on the coding strand, the complement: XDH is on the minus strand). VCF-style: chr2-31387810-C-T. GRCh37 (hg19) VCF-style: chr2-31610676-C-T.
Identifiers: ClinVar variation 1511440 (VCV001511440.6), dbSNP rs764196019, ClinGen allele CA1599546.

ClinVar aggregate classification (germline): Likely pathogenic (1 of 4 stars; one submission).

Conditions:
Xanthinuria type II. Also called: Xanthine dehydrogenase and aldehyde oxidase combined deficiency of; XDH and AOX dual deficiency. Identifiers: Orphanet 3467, Orphanet 93602, MedGen C1863688, MONDO:0011346, OMIM 603592.

Allele frequency attached by ClinVar (database versions not stated): gnomAD exomes below 0.00001; TOPMed below 0.00001; gnomAD 0.00001.
gnomAD v4.1: 5 of 1,577,582 alleles (0.00032%); highest among the groups gnomAD compares: Non-Finnish European, 0.00043%; no homozygotes.

Submission:

Labcorp Genetics (formerly Invitae), Labcorp
Classification: Likely pathogenic for Xanthinuria type II. Last evaluated: 2022-09-07. Review status: criteria provided, single submitter. Criteria: Invitae Variant Classification Sherloc (09022015). Collection method: clinical testing. Allele origin: germline.
Comment: This variant is not present in population databases (gnomAD no frequency). Disruption of this splice site has been observed in individual(s) with xanthinuria type I (PMID: 26521682). ClinVar contains an entry for this variant (Variation ID: 1511440). Algorithms developed to predict the effect of sequence changes on RNA splicing suggest that this variant may disrupt the consensus splice site. In summary, the currently available evidence indicates that the variant is pathogenic, but additional data are needed to prove that conclusively. Therefore, this variant has been classified as Likely Pathogenic. This sequence change affects a donor splice site in intron 8 of the XDH gene. It is expected to disrupt RNA splicing. Variants that disrupt the donor or acceptor splice site typically lead to a loss of protein function (PMID: 16199547), and loss-of-function variants in XDH are known to be pathogenic (PMID: 9153281).

Literature cited by the submitters: PubMed 26521682; PubMed 16199547; PubMed 9153281.